The following is an entry in ClinVar:

ClinVar aggregate classification (germline): Uncertain significance. Review status: criteria provided, multiple submitters, no conflicts (2 of 4 stars). 2 submissions from 2 submitters: Uncertain significance (2). Last evaluated 2024-12-25.

Conditions:
Inborn genetic diseases. Identifiers: MedGen C0950123, MeSH D030342.
Nemaline myopathy 6 (NEM6). Also called: Nemaline myopathy 6, autosomal dominant. Identifiers: Orphanet 171439, MedGen C1836472, MONDO:0012237, OMIM 609273.

Allele frequency attached by ClinVar (database versions not stated): gnomAD exomes below 0.00001.

Submissions (2):

Ambry Genetics
Classification: Uncertain significance for Inborn genetic diseases. Last evaluated: 2024-12-25. Review status: criteria provided, single submitter. Criteria: Ambry Variant Classification Scheme 2023. Collection method: clinical testing. Allele origin: germline.

Labcorp Genetics (formerly Invitae), Labcorp
Classification: Uncertain significance for Nemaline myopathy 6. Last evaluated: 2024-03-20. Review status: criteria provided, single submitter. Criteria: Invitae Variant Classification Sherloc (09022015). Collection method: clinical testing. Allele origin: germline.
Comment: This sequence change replaces serine, which is neutral and polar, with cysteine, which is neutral and slightly polar, at codon 161 of the KBTBD13 protein (p.Ser161Cys). This variant is present in population databases (no rsID available, gnomAD 0.01%). This variant has not been reported in the literature in individuals affected with KBTBD13-related conditions. Advanced modeling of protein sequence and biophysical properties (such as structural, functional, and spatial information, amino acid conservation, physicochemical variation, residue mobility, and thermodynamic stability) performed at Invitae indicates that this missense variant is not expected to disrupt KBTBD13 protein function with a negative predictive value of 80%. In summary, the available evidence is currently insufficient to determine the role of this variant in disease. Therefore, it has been classified as a Variant of Uncertain Significance.

NM_001101362.3(KBTBD13):c.481A>T (p.Ser161Cys)

Gene: KBTBD13 (kelch repeat and BTB domain containing 13; plus strand). Cytogenetic location: 15q22.31.
Variant type: single nucleotide variant.
Coding change: c.481A>T on transcript NM_001101362.3 (MANE Select); coding-DNA position 481, A replaced by T.
Protein change: p.Ser161Cys; replaces serine 161 with cysteine.
Molecular consequence: missense variant.
Genome position (GRCh38, 1-based): chr15:65,077,296, A>T. VCF-style: chr15-65077296-A-T. GRCh37 (hg19) VCF-style: chr15-65369634-A-T.
Other names: short protein forms S161C.
Identifiers: ClinVar variation 2720978 (VCV002720978.4), dbSNP rs896208949, ClinGen allele CA271503604.